The following is an entry in ClinVar:

ClinVar aggregate classification (germline): Benign/Likely benign. Review status: criteria provided, multiple submitters, no conflicts (2 of 4 stars). 3 submissions from 3 submitters: Benign (1); Likely benign (1). 1 of the submissions does not count toward it. Last evaluated 2024-11-26.

Conditions:
HSPA1L-related disorder. Also called: HSPA1L-related condition.

Allele frequency attached by ClinVar (database versions not stated): gnomAD exomes 0.00148; ExAC 0.00207; gnomAD 0.00652 and 0.00707; TOPMed 0.00717; 1000 Genomes Project 0.00719; ESP Exome Variant Server 0.00746; 1000 Genomes Project 30x 0.00796.
gnomAD v4.1: 1,996 of 1,614,180 alleles (0.12%); highest among the groups gnomAD compares: African/African-American, 2.4%; 23 homozygotes.

Submissions (3):

Blueprint Genetics
Classification: Likely benign. Last evaluated: 2024-11-26. Review status: criteria provided, single submitter. Criteria: ACMG Guidelines, 2015. Collection method: clinical testing. Allele origin: germline.

Labcorp Genetics (formerly Invitae), Labcorp
Classification: Benign. Last evaluated: 2019-12-31. Review status: criteria provided, single submitter. Criteria: Invitae Variant Classification Sherloc (09022015). Collection method: clinical testing. Allele origin: germline.

PreventionGenetics, part of Exact Sciences
Classification: Benign for HSPA1L-related condition. Last evaluated: 2019-02-19. Review status: no assertion criteria provided. Collection method: clinical testing. Allele origin: germline. Not counted in ClinVar's aggregate classification.
Comment: This variant is classified as benign based on ACMG/AMP sequence variant interpretation guidelines (Richards et al. 2015 PMID: 25741868, with internal and published modifications).

NM_005527.4(HSPA1L):c.420T>C (p.Pro140=)

Gene: HSPA1L (heat shock protein family A (Hsp70) member 1 like; minus strand). Cytogenetic location: 6p21.33.
Variant type: single nucleotide variant.
Coding change: c.420T>C on transcript NM_005527.4 (MANE Select); coding-DNA position 420, T replaced by C.
Protein change: p.Pro140=; no amino-acid change (proline 140 retained).
Molecular consequence: synonymous variant.
Genome position (GRCh38, 1-based): chr6:31,811,553, A>G on the plus strand (T>C on the coding strand, the complement: HSPA1L is on the minus strand). VCF-style: chr6-31811553-A-G. GRCh37 (hg19) VCF-style: chr6-31779330-A-G.
Identifiers: ClinVar variation 784069 (VCV000784069.7), dbSNP rs34372373, ClinGen allele CA3724080.
Genomic context (GRCh38, chr6:31,811,553, plus strand): 5'-AGTAGCCTGACGTTGAGAGTCATTGAAATAGGCTGGCACGGTAATCACTGCATTGGTGAC[A>G]GGGTGGCCCAAAAAGGCCTCAGCAGTCTCCTTCAACTTAGTCAATACCATCGAAGAGATT-3'
Protein context (NP_005518.3, residues 130-150): KETAEAFLGH[Pro140=]VTNAVITVPA